The following is an entry in ClinVar:

ClinVar aggregate classification (germline): Likely benign (1 of 4 stars; one submission).

Conditions:
Adams-Oliver syndrome 1 (AOS1). Also called: ABSENCE DEFECT OF LIMBS, SCALP, AND SKULL; CONGENITAL SCALP DEFECTS WITH DISTAL LIMB REDUCTION ANOMALIES; APLASIA CUTIS CONGENITA WITH TERMINAL TRANSVERSE LIMB DEFECTS. Identifiers: Orphanet 974, MedGen C4551482, MONDO:0024506, OMIM 100300.

Submission:

Centre for Medical Genetics,  Mumbai
Classification: Likely benign for Adams-Oliver syndrome 1. Last evaluated: 2026-02-27. Review status: criteria provided, single submitter. Criteria: ACMG Guidelines, 2015. Collection method: provider interpretation. Allele origin: germline. Inheritance: Autosomal dominant inheritance. Affected: no. Observed: 1 variant allele, 1 heterozygote.
Comment: The variant satisfies PM2 criteria; Extremely low frequency in gnomAD population databases. The variant satisfies BP4 criteria; For a missense or a splice region variant, computational prediction tools unanimously support a benign effect on the gene. However, the variant satisfies BS2 criteria.

Literature cited by the submitters: PubMed 21565291.

NM_020754.4(ARHGAP31):c.3043G>C (p.Gly1015Arg)

Gene: ARHGAP31 (Rho GTPase activating protein 31; plus strand). Cytogenetic location: 3q13.33.
Variant type: single nucleotide variant.
Coding change: c.3043G>C on transcript NM_020754.4 (MANE Select); coding-DNA position 3043, G replaced by C.
Protein change: p.Gly1015Arg; replaces glycine 1015 with arginine.
Molecular consequence: missense variant.
Genome position (GRCh38, 1-based): chr3:119,414,972, G>C. VCF-style: chr3-119414972-G-C. GRCh37 (hg19) VCF-style: chr3-119133819-G-C.
Other names: short protein forms G1015R.
Identifiers: ClinVar variation 4819089 (VCV004819089.1).